The following is an entry in ClinVar:

ClinVar aggregate classification (germline): Uncertain significance (1 of 4 stars; one submission).

Allele frequency attached by ClinVar (database versions not stated): TOPMed below 0.00001.

Submission:

Ambry Genetics
Classification: Uncertain significance. Last evaluated: 2022-12-11. Review status: criteria provided, single submitter. Criteria: Ambry Variant Classification Scheme 2023. Collection method: clinical testing. Allele origin: germline.
Comment: The p.G52A variant (also known as c.155G>C), located in coding exon 1 of the EGLN2 gene, results from a G to C substitution at nucleotide position 155. The glycine at codon 52 is replaced by alanine, an amino acid with similar properties. This amino acid position is conserved. In addition, this alteration is predicted to be tolerated by in silico analysis. Since supporting evidence is limited at this time, the clinical significance of this alteration remains unclear.

NM_080732.4(EGLN2):c.155G>C (p.Gly52Ala)

Genes: EGLN2 (egl-9 family hypoxia inducible factor 2; plus strand), RAB4B-EGLN2 (RAB4B-EGLN2 readthrough (NMD candidate); plus strand). Cytogenetic location: 19q13.2.
Variant type: single nucleotide variant.
Coding change: c.155G>C on transcript NM_080732.4 (MANE Select); coding-DNA position 155, G replaced by C.
Protein change: p.Gly52Ala; replaces glycine 52 with alanine.
Molecular consequence: missense variant. On other transcripts: non-coding transcript variant (1).
Genome position (GRCh38, 1-based): chr19:40,800,727, G>C. VCF-style: chr19-40800727-G-C. GRCh37 (hg19) VCF-style: chr19-41306632-G-C.
Other names: c.155G>C, p.Gly52Ala (NM_053046.4); short protein forms G52A.
Identifiers: ClinVar variation 2449357 (VCV002449357.2), dbSNP rs1414466210, ClinGen allele CA405954674.
Genomic context (GRCh38, chr19:40,800,727, plus strand): 5'-CCAGGATGGGAGTGGAGAGTTACCTGCCCTGTCCCCTGCTCCCCTCCTACCACTGTCCAG[G>C]AGTGCCTAGTGAGGCCTCGGCAGGGAGTGGGACCCCCAGAGCCACAGCCACCTCTACCAC-3'
Protein context (NP_542770.2, residues 42-62): CPLLPSYHCP[Gly52Ala]VPSEASAGSG